The following is an entry in ClinVar:

ClinVar aggregate classification (germline): Uncertain significance (0 of 4 stars; one submission).

Conditions:
Prostate cancer. Also called: Malignant tumor of prostate. Identifiers: Orphanet 1331, MedGen C0376358, MONDO:0008315, HP:0012125.

Allele frequency attached by ClinVar (database versions not stated): TOPMed 0.00001; gnomAD exomes 0.00001; ExAC 0.00001.
gnomAD v4.1: 30 of 1,611,516 alleles (0.0019%); highest among the groups gnomAD compares: Non-Finnish European, 0.0025%; no homozygotes.

Submission:

Science for Life laboratory,  Karolinska Institutet
Classification: Uncertain significance for Malignant tumor of prostate. Review status: no assertion criteria provided. Collection method: not provided. Allele origin: somatic.
Comment: TumorID:SWE-19
ClinVar note: Converted during submission from Unknown to Uncertain significance.

NM_024012.4(HTR5A):c.79G>C (p.Asp27His)

Genes: HTR5A (5-hydroxytryptamine receptor 5A; plus strand), HTR5A-AS1 (HTR5A antisense RNA 1; minus strand). Cytogenetic location: 7q36.2.
Variant type: single nucleotide variant.
Coding change: c.79G>C on transcript NM_024012.4 (MANE Select); coding-DNA position 79, G replaced by C.
Protein change: p.Asp27His; replaces aspartic acid 27 with histidine.
Molecular consequence: missense variant.
Genome position (GRCh38, 1-based): chr7:155,070,978, G>C. VCF-style: chr7-155070978-G-C. GRCh37 (hg19) VCF-style: chr7-154862688-G-C.
Other names: short protein forms D27H.
Identifiers: ClinVar variation 161768 (VCV000161768.2), dbSNP rs193920930, ClinGen allele CA214531.
Genomic context (GRCh38, chr7:155,070,978, plus strand): 5'-CTAACCTCCTTTTCCCTCTCCACCCCCTCCCCTTTGGAGACCAACCACAGCCTCGGCAAA[G>C]ACGACCTGCGCCCCAGCTCGCCCCTGCTCTCGGTCTTCGGAGTGCTTATTCTCACCTTGC-3'
Protein context (NP_076917.1, residues 17-37): PLETNHSLGK[Asp27His]DLRPSSPLLS